The following is an entry in ClinVar:

NM_000548.5(TSC2):c.2132G>C (p.Gly711Ala)

Gene: TSC2 (TSC complex subunit 2; plus strand). Cytogenetic location: 16p13.3.
Variant type: single nucleotide variant.
Coding change: c.2132G>C on transcript NM_000548.5 (MANE Select); coding-DNA position 2132, G replaced by C.
Protein change: p.Gly711Ala; replaces glycine 711 with alanine.
Molecular consequence: missense variant. On other transcripts: non-coding transcript variant (5).
Genome position (GRCh38, 1-based): chr16:2,072,275, G>C. VCF-style: chr16-2072275-G-C. GRCh37 (hg19) VCF-style: chr16-2122276-G-C.
Other names: c.2021G>C, p.Gly674Ala (NM_001318827.2, NM_001406670.1, NM_001406678.1); c.1985G>C, p.Gly662Ala (NM_001318829.2, NM_001406679.1, NM_001406675.1 and 1 more transcripts); c.1532G>C, p.Gly511Ala (NM_001318831.2, NM_001406680.1, NM_001406682.1 and 6 more transcripts); c.2165G>C, p.Gly722Ala (NM_001318832.2); c.2132G>C, p.Gly711Ala (NM_001363528.2, NM_001370404.1, NM_001370405.1 and 6 more transcripts); c.1670G>C, p.Gly557Ala (NM_001406681.1); c.2222G>C, p.Gly741Ala (NM_001406667.1, NM_001406668.1); c.2120G>C, p.Gly707Ala (NM_001406671.1, NM_001406673.1); and 3 more; short protein forms G177A, G263A, G511A, G557A, G662A, G674A, G692A, G707A.
Identifiers: ClinVar variation 3386166 (VCV003386166.1).
Genomic context (GRCh38, chr16:2,072,275, plus strand): 5'-TGTCCTGACGCCTCCTCTCCTCGCAGGAGTCTGACTGGAAGGTGCTGAAGCTGGTTCTGG[G>C]CAGGCTGCCTGAGTCCCTGCGCTATAAAGTGCTCATCTTTACTTCCCCTTGCAGTGTGGA-3'
Protein context (NP_000539.2, residues 701-721): SDWKVLKLVL[Gly711Ala]RLPESLRYKV

ClinVar aggregate classification (germline): Uncertain significance (1 of 4 stars; one submission).

Conditions:
Tuberous sclerosis syndrome (TSC). Also called: Tuberous Sclerosis Complex; Tuberous sclerosis. Identifiers: Orphanet 805, MedGen C0041341, MONDO:0001734.

gnomAD v4.1: 1 of 1,614,028 alleles (0.000062%); highest among the groups gnomAD compares: African/African-American, 0.0013%; no homozygotes.

Submission:

All of Us Research Program, National Institutes of Health
Classification: Uncertain significance for Tuberous sclerosis syndrome. Last evaluated: 2024-03-05. Review status: criteria provided, single submitter. Criteria: ACMG Guidelines, 2015. Collection method: clinical testing. Allele origin: germline. Inheritance: Autosomal dominant inheritance. Observed: 1 variant allele, 1 heterozygote.
Comment: This study involves interpretation of variants in research participants for the purpose of population health screening. Participant phenotype was not available at the time of variant classification. Additional details can be found in publication PMID: 35346344, PMCID: PMC8962531